The following is an entry in ClinVar:

NM_006087.4(TUBB4A):c.429G>A (p.Thr143=)

Gene: TUBB4A (tubulin beta 4A class IVa; minus strand). Cytogenetic location: 19p13.3.
Variant type: single nucleotide variant.
Coding change: c.429G>A on transcript NM_006087.4 (MANE Select); coding-DNA position 429, G replaced by A.
Protein change: p.Thr143=; no amino-acid change (threonine 143 retained).
Molecular consequence: synonymous variant.
Genome position (GRCh38, 1-based): chr19:6,496,070, C>T on the plus strand (G>A on the coding strand, the complement: TUBB4A is on the minus strand). VCF-style: chr19-6496070-C-T. GRCh37 (hg19) VCF-style: chr19-6496081-C-T.
Other names: c.582G>A, p.Thr194= (NM_001289123.2); c.564G>A, p.Thr188= (NM_001289127.2); c.429G>A, p.Thr143= (NM_001289129.2); c.213G>A, p.Thr71= (NM_001289130.2, NM_001289131.2).
Identifiers: ClinVar variation 2055825 (VCV002055825.32), dbSNP rs374559176, ClinGen allele CA9127370.

ClinVar aggregate classification (germline): Likely benign. Review status: criteria provided, multiple submitters, no conflicts (2 of 4 stars). 2 submissions from 2 submitters: Likely benign (2). Last evaluated 2025-10-13.

Conditions:
Leukodystrophy, hypomyelinating, 6. Also called: TUBB4A-Associated Leukodystrophy; Hypomyelination with Atrophy of Basal Ganglia and Cerebellum (H-ABC); LEUKODYSTROPHY, HYPOMYELINATING, WITH ATROPHY OF THE BASAL GANGLIA AND CEREBELLUM. Identifiers: Orphanet 139441, MedGen C2676244, MONDO:0012905, OMIM 612438.

Allele frequency attached by ClinVar (database versions not stated): ExAC 0.00002; ESP Exome Variant Server 0.00008.
gnomAD v4.1: 32 of 1,614,084 alleles (0.002%); highest among the groups gnomAD compares: Middle Eastern, 0.016%; no homozygotes.

Submissions (2):

Labcorp Genetics (formerly Invitae), Labcorp
Classification: Likely benign for Leukodystrophy, hypomyelinating, 6. Last evaluated: 2025-10-13. Review status: criteria provided, single submitter. Criteria: Invitae Variant Classification Sherloc (09022015). Collection method: clinical testing. Allele origin: germline.

CeGaT Center for Human Genetics Tuebingen
Classification: Likely benign. Last evaluated: 2023-03-01. Review status: criteria provided, single submitter. Criteria: CeGaT Center For Human Genetics Tuebingen Variant Classification Criteria Version 2. Collection method: clinical testing. Allele origin: germline. Affected: yes. Observed: 2 variant alleles.
Comment: TUBB4A: BP4, BP7